The following is an entry in ClinVar:

ClinVar aggregate classification (germline): Uncertain significance. Review status: criteria provided, multiple submitters, no conflicts (2 of 4 stars). 4 submissions from 4 submitters: Uncertain significance (3). 1 of the submissions does not count toward it. Last evaluated 2025-08-12.

Conditions:
AIPL1-related disorder. Also called: AIPL1-related disorders; AIPL1-related condition. Identifiers: MedGen CN239169.
Leber congenital amaurosis 4 (LCA4). Identifiers: MedGen C1858386, MONDO:0011458, OMIM 604393.
Inborn genetic diseases. Identifiers: MedGen C0950123, MeSH D030342.

Allele frequency attached by ClinVar (database versions not stated): gnomAD 0.00001; gnomAD exomes 0.00001 and 0.00003.
gnomAD v4.1: 9 of 1,614,082 alleles (0.00056%); highest among the groups gnomAD compares: Admixed American, 0.015%; no homozygotes.

Submissions (4):

Ambry Genetics
Classification: Uncertain significance for Inborn genetic diseases. Last evaluated: 2025-08-12. Review status: criteria provided, single submitter. Criteria: Ambry Variant Classification Scheme 2023. Collection method: clinical testing. Allele origin: germline.

Labcorp Genetics (formerly Invitae), Labcorp
Classification: Uncertain significance for Leber congenital amaurosis 4. Last evaluated: 2022-05-27. Review status: criteria provided, single submitter. Criteria: Invitae Variant Classification Sherloc (09022015). Collection method: clinical testing. Allele origin: germline.
Comment: This sequence change replaces histidine, which is basic and polar, with arginine, which is basic and polar, at codon 172 of the AIPL1 protein (p.His172Arg). This variant is present in population databases (no rsID available, gnomAD 0.02%). This variant has not been reported in the literature in individuals affected with AIPL1-related conditions. Algorithms developed to predict the effect of missense changes on protein structure and function are either unavailable or do not agree on the potential impact of this missense change (SIFT: "Deleterious"; PolyPhen-2: "Benign"; Align-GVGD: "Class C0"). Algorithms developed to predict the effect of sequence changes on RNA splicing suggest that this variant may create or strengthen a splice site. In summary, the available evidence is currently insufficient to determine the role of this variant in disease. Therefore, it has been classified as a Variant of Uncertain Significance.

Blueprint Genetics
Classification: Uncertain significance. Last evaluated: 2020-03-19. Review status: criteria provided, single submitter. Criteria: ACMG Guidelines, 2015. Collection method: clinical testing. Allele origin: germline.

PreventionGenetics, part of Exact Sciences
Classification: Uncertain significance for AIPL1-related condition. Last evaluated: 2024-09-24. Review status: no assertion criteria provided. Collection method: clinical testing. Allele origin: germline. Not counted in ClinVar's aggregate classification.
Comment: The AIPL1 c.515A>G variant is predicted to result in the amino acid substitution p.His172Arg. To our knowledge, this variant has not been reported in the literature. This variant is reported in 0.023% of alleles in individuals of Latino descent in gnomAD. At this time, the clinical significance of this variant is uncertain due to the absence of conclusive functional and genetic evidence.

NM_014336.5(AIPL1):c.515A>G (p.His172Arg)

Gene: AIPL1 (AIP like 1 HSP90 co-chaperone; minus strand). Cytogenetic location: 17p13.2.
Variant type: single nucleotide variant.
Coding change: c.515A>G on transcript NM_014336.5 (MANE Select); coding-DNA position 515, A replaced by G.
Protein change: p.His172Arg; replaces histidine 172 with arginine.
Molecular consequence: missense variant.
Genome position (GRCh38, 1-based): chr17:6,427,008, T>C on the plus strand (A>G on the coding strand, the complement: AIPL1 is on the minus strand). VCF-style: chr17-6427008-T-C. GRCh37 (hg19) VCF-style: chr17-6330328-T-C.
Other names: c.515A>G (NM_014336.4, NM_014336.3); c.326A>G, p.His109Arg (NM_001033054.3); c.335A>G, p.His112Arg (NM_001033055.3); c.479A>G, p.His160Arg (NM_001285399.3); c.449A>G, p.His150Arg (NM_001285400.3); c.515A>G, p.His172Arg (NM_001285401.3); c.398A>G, p.His133Arg (NM_001285402.2); c.491A>G, p.His164Arg (NM_001285403.4); short protein forms H160R, H133R, H150R, H109R, H112R, H164R, H172R.
Identifiers: ClinVar variation 1441439 (VCV001441439.6), dbSNP rs1285577966, ClinGen allele CA397395597.
Genomic context (GRCh38, chr17:6,427,008, plus strand): 5'-CCCAGCTTGAAGAGCCGATTTCCCTCTCCGTGGAGGACGGGCACCGCCTTCATCTTCTCA[T>C]GATTGCTCAGGTTCCAGGTCTCCCTCTGGTAATCACTCGGGGCATCAACCTGGCCCCAGA-3'
Protein context (NP_055151.3, residues 162-182): YQRETWNLSN[His172Arg]EKMKAVPVLH